The following is an entry in ClinVar:

NM_015559.3(SETBP1):c.4571C>T (p.Pro1524Leu)

Gene: SETBP1 (SET binding protein 1; plus strand). Cytogenetic location: 18q12.3.
Variant type: single nucleotide variant.
Coding change: c.4571C>T on transcript NM_015559.3 (MANE Select); coding-DNA position 4571, C replaced by T.
Protein change: p.Pro1524Leu; replaces proline 1524 with leucine.
Molecular consequence: missense variant.
Genome position (GRCh38, 1-based): chr18:45,063,478, C>T. VCF-style: chr18-45063478-C-T. GRCh37 (hg19) VCF-style: chr18-42643443-C-T.
Other names: c.4571C>T, p.Pro1524Leu (NM_001379141.1, NM_001379142.1); c.4400C>T, p.Pro1467Leu (NM_001410862.1); short protein forms P1467L, P1524L.
Identifiers: ClinVar variation 2788276 (VCV002788276.4), dbSNP rs1396612087, ClinGen allele CA402483705.

ClinVar aggregate classification (germline): Uncertain significance. Review status: criteria provided, multiple submitters, no conflicts (2 of 4 stars). 2 submissions from 2 submitters: Uncertain significance (2). Last evaluated 2023-08-14.

Allele frequency attached by ClinVar (database versions not stated): gnomAD exomes below 0.00001; TOPMed 0.00001.
gnomAD v4.1: 4 of 1,444,220 alleles (0.00028%); highest among the groups gnomAD compares: African/African-American, 0.0029%; no homozygotes.

Submissions (2):

Labcorp Genetics (formerly Invitae), Labcorp
Classification: Uncertain significance. Last evaluated: 2023-08-14. Review status: criteria provided, single submitter. Criteria: Invitae Variant Classification Sherloc (09022015). Collection method: clinical testing. Allele origin: germline.
Comment: In summary, the available evidence is currently insufficient to determine the role of this variant in disease. Therefore, it has been classified as a Variant of Uncertain Significance. Advanced modeling of protein sequence and biophysical properties (such as structural, functional, and spatial information, amino acid conservation, physicochemical variation, residue mobility, and thermodynamic stability) performed at Invitae indicates that this missense variant is not expected to disrupt SETBP1 protein function. This variant has not been reported in the literature in individuals affected with SETBP1-related conditions. The frequency data for this variant in the population databases is considered unreliable, as metrics indicate poor data quality at this position in the gnomAD database. This sequence change replaces proline, which is neutral and non-polar, with leucine, which is neutral and non-polar, at codon 1524 of the SETBP1 protein (p.Pro1524Leu).

Blueprint Genetics
Classification: Uncertain significance. Last evaluated: 2023-04-19. Review status: criteria provided, single submitter. Criteria: ACMG Guidelines, 2015. Collection method: clinical testing. Allele origin: germline.